The following is an entry in ClinVar:

ClinVar aggregate classification (germline): Pathogenic (1 of 4 stars; one submission).

Submission:

Labcorp Genetics (formerly Invitae), Labcorp
Classification: Pathogenic. Last evaluated: 2024-01-28. Review status: criteria provided, single submitter. Criteria: Invitae Variant Classification Sherloc (09022015). Collection method: clinical testing. Allele origin: germline.
Comment: This sequence change creates a premature translational stop signal (p.Ser926Alafs*5) in the IARS2 gene. It is expected to result in an absent or disrupted protein product. Loss-of-function variants in IARS2 are known to be pathogenic (PMID: 33327715). This variant is not present in population databases (gnomAD no frequency). This variant has not been reported in the literature in individuals affected with IARS2-related conditions. For these reasons, this variant has been classified as Pathogenic.

Literature cited by the submitters: PubMed 33327715.

NM_018060.4(IARS2):c.2775del (p.Ser926fs)

Gene: IARS2 (isoleucyl-tRNA synthetase 2, mitochondrial; plus strand). Cytogenetic location: 1q41.
Variant type: Deletion.
Coding change: c.2775del on transcript NM_018060.4 (MANE Select); coding-DNA position 2775, one base deleted (C; older notation c.2775delC).
Protein change: p.Ser926fs; shifts the reading frame from serine 926.
Molecular consequence: frameshift variant.
Genome position (GRCh38, 1-based): chr1:220,145,532, C deleted; the last of 2 consecutive C bases (chr1:220,145,531-220,145,532); deleting either gives the same sequence. VCF-style (leftmost placement, unchanged base first): chr1-220145530-TC-T. GRCh37 (hg19) VCF-style: chr1-220318872-TC-T.
Other names: short protein forms S926fs.
Identifiers: ClinVar variation 2881068 (VCV002881068.3), dbSNP rs1657568800, ClinGen allele CA1222294337.
Genomic context (GRCh38, chr1:220,145,530, plus strand): 5'-ATTTAACATAAACTGTAACTTTCACATGCTTCCTTCCAGATGCTGCAGTCTGAAGAGACT[TC>T]CAGCACCTCTCAGTTGAATGAATTAATGATGGCTTCTGAGTCAACTTTACTGGCTCAGGA-3'